The following is an entry in ClinVar:

ClinVar aggregate classification (germline): Uncertain significance. Review status: criteria provided, multiple submitters, no conflicts (2 of 4 stars). 2 submissions from 2 submitters: Uncertain significance (2). Last evaluated 2025-10-28.

Allele frequency attached by ClinVar (database versions not stated): gnomAD exomes 0.00002; ExAC 0.00003; gnomAD 0.00007; ESP Exome Variant Server 0.00008; TOPMed 0.00010; 1000 Genomes Project 0.00040; 1000 Genomes Project 30x 0.00047.
gnomAD v4.1: 47 of 1,614,118 alleles (0.0029%); highest among the groups gnomAD compares: Admixed American, 0.022%; no homozygotes.

Submissions (2):

Ambry Genetics
Classification: Uncertain significance. Last evaluated: 2025-10-28. Review status: criteria provided, single submitter. Criteria: Ambry Variant Classification Scheme 2023. Collection method: clinical testing. Allele origin: germline.

Labcorp Genetics (formerly Invitae), Labcorp
Classification: Uncertain significance. Last evaluated: 2023-08-04. Review status: criteria provided, single submitter. Criteria: Invitae Variant Classification Sherloc (09022015). Collection method: clinical testing. Allele origin: germline.
Comment: In summary, the available evidence is currently insufficient to determine the role of this variant in disease. Therefore, it has been classified as a Variant of Uncertain Significance. An algorithm developed to predict the effect of missense changes on protein structure and function (PolyPhen-2) suggests that this variant is likely to be disruptive. ClinVar contains an entry for this variant (Variation ID: 1909989). This variant has not been reported in the literature in individuals affected with TCTEX1D2-related conditions. This variant is present in population databases (rs139637513, gnomAD 0.02%). This sequence change replaces valine, which is neutral and non-polar, with leucine, which is neutral and non-polar, at codon 95 of the TCTEX1D2 protein (p.Val95Leu).

NM_152773.5(DYNLT2B):c.283G>C (p.Val95Leu)

Gene: DYNLT2B (dynein light chain Tctex-type 2B; minus strand). Cytogenetic location: 3q29.
Variant type: single nucleotide variant.
Coding change: c.283G>C on transcript NM_152773.5 (MANE Select); coding-DNA position 283, G replaced by C.
Protein change: p.Val95Leu; replaces valine 95 with leucine.
Molecular consequence: missense variant.
Genome position (GRCh38, 1-based): chr3:196,306,977, C>G on the plus strand (G>C on the coding strand, the complement: DYNLT2B is on the minus strand). VCF-style: chr3-196306977-C-G. GRCh37 (hg19) VCF-style: chr3-196033848-C-G.
Other names: c.283G>C, p.Val95Leu (NM_001351628.2); c.283G>C (NM_152773.4); short protein forms V95L.
Identifiers: ClinVar variation 1909989 (VCV001909989.6), dbSNP rs139637513, ClinGen allele CA2779757.